The following is an entry in ClinVar:

NM_000465.4(BARD1):c.539del (p.Tyr180fs)

Gene: BARD1 (BRCA1 associated RING domain 1; minus strand). Cytogenetic location: 2q35.
Variant type: Deletion.
Coding change: c.539del on transcript NM_000465.4 (MANE Select); coding-DNA position 539, one base deleted (A; older notation c.539delA).
Protein change: p.Tyr180fs; shifts the reading frame from tyrosine 180.
Molecular consequence: frameshift variant. On other transcripts: non-coding transcript variant (2), intron variant (3).
Genome position (GRCh38, 1-based): chr2:214,781,335, T deleted on the plus strand (A on the coding strand, the reverse complement: BARD1 is on the minus strand). VCF-style (leftmost placement, unchanged base first): chr2-214781334-AT-A. GRCh37 (hg19) VCF-style: chr2-215646058-AT-A.
Other names: c.482del, p.Tyr161fs (NM_001282543.2); c.158+28077del (NM_001282548.2); c.215+15726del (NM_001282545.2); c.364+10962del (NM_001282549.2); short protein forms Y161fs, Y180fs.
Identifiers: ClinVar variation 4856743 (VCV004856743.1).

ClinVar aggregate classification (germline): Pathogenic (1 of 4 stars; one submission).

Conditions:
Familial cancer of breast. Also called: BREAST CANCER, FAMILIAL; Hereditary breast cancer; hereditary breast carcinoma. Identifiers: Orphanet 227535, MedGen C0346153, MONDO:0016419, OMIM 114480. Disease mechanism: loss of function.

Submission:

Myriad Genetics, Inc.
Classification: Pathogenic for Familial cancer of breast. Last evaluated: 2026-02-11. Review status: criteria provided, single submitter. Criteria: Myriad Autosomal Dominant, Autosomal Recessive and X-Linked Classification Criteria (2023). Collection method: clinical testing. Allele origin: unknown.
Comment: This variant is considered pathogenic. This variant creates a frameshift predicted to result in premature protein truncation.